The following is an entry in ClinVar:

NM_001195263.2(PDZD7):c.1355C>T (p.Ser452Leu)

Gene: PDZD7 (PDZ domain containing 7; minus strand). Cytogenetic location: 10q24.31.
Variant type: single nucleotide variant.
Coding change: c.1355C>T on transcript NM_001195263.2 (MANE Select); coding-DNA position 1355, C replaced by T.
Protein change: p.Ser452Leu; replaces serine 452 with leucine.
Molecular consequence: missense variant. On other transcripts: synonymous variant (1).
Genome position (GRCh38, 1-based): chr10:101,018,266, G>A on the plus strand (C>T on the coding strand, the complement: PDZD7 is on the minus strand). VCF-style: chr10-101018266-G-A. GRCh37 (hg19) VCF-style: chr10-102778023-G-A.
Other names: c.1383C>T, p.Val461= (NM_001351044.2); c.1355C>T, p.Ser452Leu (NM_024895.5); short protein forms S452L.
Identifiers: ClinVar variation 1364225 (VCV001364225.8), dbSNP rs1852825091, ClinGen allele CA378228215.

ClinVar aggregate classification (germline): Uncertain significance (1 of 4 stars; one submission).

Allele frequency attached by ClinVar (database versions not stated): gnomAD exomes below 0.00001; TOPMed below 0.00001; gnomAD 0.00001.
gnomAD v4.1: 1 of 1,613,914 alleles (0.000062%); highest among the groups gnomAD compares: Non-Finnish European, 0.000085%; no homozygotes.

Submission:

Labcorp Genetics (formerly Invitae), Labcorp
Classification: Uncertain significance. Last evaluated: 2022-07-05. Review status: criteria provided, single submitter. Criteria: Invitae Variant Classification Sherloc (09022015). Collection method: clinical testing. Allele origin: germline.
Comment: Algorithms developed to predict the effect of missense changes on protein structure and function output the following: SIFT: "Tolerated"; PolyPhen-2: "Not Available"; Align-GVGD: "Class C0". The leucine amino acid residue is found in multiple mammalian species, which suggests that this missense change does not adversely affect protein function. This sequence change replaces serine, which is neutral and polar, with leucine, which is neutral and non-polar, at codon 452 of the PDZD7 protein (p.Ser452Leu). This variant is not present in population databases (gnomAD no frequency). This variant has not been reported in the literature in individuals affected with PDZD7-related conditions. ClinVar contains an entry for this variant (Variation ID: 1364225). In summary, the available evidence is currently insufficient to determine the role of this variant in disease. Therefore, it has been classified as a Variant of Uncertain Significance.